The following is an entry in ClinVar:

ClinVar aggregate classification (germline): Uncertain significance (1 of 4 stars; one submission).

Conditions:
TTN-related disorder. Also called: TTN-related disorders; TTN-related condition; TTN-related disease.

gnomAD v4.1: 4 of 1,613,334 alleles (0.00025%); highest among the groups gnomAD compares: African/African-American, 0.004%; no homozygotes.

Submission:

PreventionGenetics, part of Exact Sciences
Classification: Uncertain significance for TTN-related condition. Last evaluated: 2025-09-16. Review status: criteria provided, single submitter. Criteria: ACMG Guidelines, 2015. Collection method: clinical testing. Allele origin: germline.
Comment: The TTN c.66320G>A variant is predicted to result in the amino acid substitution p.Arg22107Lys. To our knowledge, this variant has not been reported in the literature. This variant is reported in 0.0083% of alleles in individuals of African descent in gnomAD. At this time, the clinical significance of this variant is uncertain due to the absence of conclusive functional and genetic evidence.

NM_001267550.2(TTN):c.66320G>A (p.Arg22107Lys)

Genes: TTN (titin; minus strand), TTN-AS1 (TTN antisense RNA 1; plus strand). Cytogenetic location: 2q31.2.
Variant type: single nucleotide variant.
Coding change: c.66320G>A on transcript NM_001267550.2 (MANE Select); coding-DNA position 66320, G replaced by A.
Protein change: p.Arg22107Lys; replaces arginine 22107 with lysine.
Molecular consequence: missense variant.
Genome position (GRCh38, 1-based): chr2:178,582,049, C>T on the plus strand (G>A on the coding strand, the complement: TTN is on the minus strand). VCF-style: chr2-178582049-C-T. GRCh37 (hg19) VCF-style: chr2-179446776-C-T.
Other names: c.61397G>A, p.Arg20466Lys (NM_001256850.1); c.39125G>A, p.Arg13042Lys (NM_003319.4); c.58616G>A, p.Arg19539Lys (NM_133378.4); c.39500G>A, p.Arg13167Lys (NM_133432.3); c.39701G>A, p.Arg13234Lys (NM_133437.4); short protein forms R19539K, R20466K, R13042K, R13167K, R22107K, R13234K.
Identifiers: ClinVar variation 4988298 (VCV004988298.1).